The following is an entry in ClinVar:

NM_013391.3(DMGDH):c.102-4C>T

Gene: DMGDH (dimethylglycine dehydrogenase; minus strand). Cytogenetic location: 5q14.1.
Variant type: single nucleotide variant.
Coding change: c.102-4C>T on transcript NM_013391.3 (MANE Select); 4 bases into the intron before coding-DNA position 102, C replaced by T.
Molecular consequence: intron variant.
Genome position (GRCh38, 1-based): chr5:79,063,791, G>A on the plus strand (C>T on the coding strand, the complement: DMGDH is on the minus strand). VCF-style: chr5-79063791-G-A. GRCh37 (hg19) VCF-style: chr5-78359614-G-A.
Identifiers: ClinVar variation 508942 (VCV000508942.2), dbSNP rs751569422, ClinGen allele CA3319071.
Genomic context (GRCh38, chr5:79,063,791, plus strand): 5'-ACTGTTTCTGCTCTGTCTTTCCATTGTGTTTCTGCAGATAAGGGTGGTTTTTCCTCTCTG[G>A]AAGAGGGAAAGTTAAAATGGGAACTTCAATCGGCAATGGTAGCTATAGTTCTGGCCTAAA-3'

ClinVar aggregate classification (germline): Likely benign. Review status: criteria provided, multiple submitters, no conflicts (2 of 4 stars). 2 submissions from 2 submitters: Likely benign (2). Last evaluated 2017-12-27.

Allele frequency attached by ClinVar (database versions not stated): TOPMed below 0.00001; ExAC 0.00001; gnomAD exomes 0.00001.
gnomAD v4.1: 12 of 1,614,100 alleles (0.00074%); highest among the groups gnomAD compares: Middle Eastern, 0.15%; no homozygotes.

Submissions (2):

GeneDx
Classification: Likely benign. Last evaluated: 2017-12-27. Review status: criteria provided, single submitter. Criteria: GeneDx Variant Classification (06012015). Collection method: clinical testing. Allele origin: germline. Affected: yes.
Comment: This variant is considered likely benign or benign based on one or more of the following criteria: it is a conservative change, it occurs at a poorly conserved position in the protein, it is predicted to be benign by multiple in silico algorithms, and/or has population frequency not consistent with disease.

Breakthrough Genomics
Classification: Likely benign. Review status: criteria provided, single submitter. Criteria: ACMG Guidelines, 2015. Collection method: not provided. Allele origin: germline. Inheritance: Autosomal recessive inheritance. Affected: yes.